The following is an entry in ClinVar:

ClinVar aggregate classification (germline): Benign/Likely benign. Review status: criteria provided, multiple submitters, no conflicts (2 of 4 stars). 3 submissions from 3 submitters: Benign (1); Likely benign (2). Last evaluated 2026-07-29.

Conditions:
Hereditary pheochromocytoma and paraganglioma. Also called: Hereditary paragangliomas and pheochromocytomas; Hereditary Paraganglioma-Pheochromocytoma Syndromes; Hereditary pheochromocytoma-paraganglioma. Identifiers: Orphanet 29072, MedGen C4274332, MONDO:0017366.
Hereditary cancer-predisposing syndrome. Also called: Tumor predisposition; Neoplastic Syndromes, Hereditary; Hereditary Cancer Syndrome; Hereditary neoplastic syndrome. Identifiers: Orphanet 140162, MedGen C0027672, MeSH D009386, MONDO:0015356.

Allele frequency attached by ClinVar (database versions not stated): gnomAD 0.00001 and below 0.00001; gnomAD exomes 0.00002 and 0.00003; TOPMed below 0.00001; ExAC 0.00005.

Submissions (3):

Myriad Genetics, Inc.
Classification: Benign for Hereditary pheochromocytoma and paraganglioma. Last evaluated: 2026-07-29. Review status: criteria provided, single submitter. Criteria: Myriad Autosomal Dominant, Autosomal Recessive and X-Linked Classification Criteria (2023). Collection method: clinical testing. Allele origin: unknown.
Comment: This variant is considered benign. This variant is a silent/synonymous amino acid change and it is not expected to impact splicing.

Labcorp Genetics (formerly Invitae), Labcorp
Classification: Likely benign for Hereditary pheochromocytoma and paraganglioma. Last evaluated: 2025-01-23. Review status: criteria provided, single submitter. Criteria: Invitae Variant Classification Sherloc (09022015). Collection method: clinical testing. Allele origin: germline.

Ambry Genetics
Classification: Likely benign for Hereditary cancer-predisposing syndrome. Last evaluated: 2016-11-28. Review status: criteria provided, single submitter. Criteria: Ambry Variant Classification Scheme 2023. Collection method: clinical testing. Allele origin: germline.

NM_017849.4(TMEM127):c.276C>T (p.Leu92=)

Gene: TMEM127 (transmembrane protein 127; minus strand). Cytogenetic location: 2q11.2.
Variant type: single nucleotide variant.
Coding change: c.276C>T on transcript NM_017849.4 (MANE Select); coding-DNA position 276, C replaced by T.
Protein change: p.Leu92=; no amino-acid change (leucine 92 retained).
Molecular consequence: synonymous variant.
Genome position (GRCh38, 1-based): chr2:96,254,966, G>A on the plus strand (C>T on the coding strand, the complement: TMEM127 is on the minus strand). VCF-style: chr2-96254966-G-A. GRCh37 (hg19) VCF-style: chr2-96920704-G-A.
Other names: c.276C>T, p.Leu92= (NM_001193304.3).
Identifiers: ClinVar variation 486534 (VCV000486534.15), dbSNP rs769267631, ClinGen allele CA1777361.